The following is an entry in ClinVar:

ClinVar aggregate classification (germline): Uncertain significance (1 of 4 stars; one submission).

Submission:

Women's Health and Genetics/Laboratory Corporation of America, LabCorp
Classification: Uncertain significance. Last evaluated: 2023-03-15. Review status: criteria provided, single submitter. Criteria: LabCorp Variant Classification Summary - May 2015. Collection method: clinical testing. Allele origin: germline.
Comment: Variant summary: CBS c.[233C>G;306G>C] (p.[Pro78Arg;Lys102Asn]) variant is a complex allele and involves the alteration of multiple nucleotides. The variant was absent in 251330 control chromosomes although each individual component is present at a frequency of 4e-06 in 251330 control chromosomes. The available data on variant occurrences in the general population are insufficient to allow any conclusion about variant significance. c.[233C>G;306G>C] has been reported in the literature as a complex allele in a biparentally confirmed compound heterozygous genotype with c.715G>A (p.E239K) (not reported in ClinVar) in trans in two affected siblings with features of Homocystinuria and their unaffected brother (deFranchis_1994). Since the penetrance of Homocystinuria due to this variant appears to be lower than expected, no conclusions can be drawn from these data. Therefore, this report does not provide unequivocal conclusions about association of the variant with Homocystinuria. At least two publications report conflicting experimental evidence evaluating an impact on protein function (deFranchis_1994, Sen_2007). The most pronounced variant effect results in 0% of normal CBS activity in one study while reporting activity levels comparable to the wild-type with unresponsiveness to the allosteric activator AdoMet in the other (Sen_2007). No clinical diagnostic laboratories have submitted clinical-significance assessments for this variant to ClinVar after 2014. Based on the evidence outlined above, the complex allele variant was classified as uncertain significance.

Literature cited by the submitters: PubMed 22267502; PubMed 25331909; PubMed 17352495; PubMed 7981678.

NM_000071.3(CBS):c.[233C>G;306G>C]

Variant type: Haplotype.
Identifiers: ClinVar variation 2501029 (VCV002501029.1).